The following is an entry in ClinVar:

NM_201253.3(CRB1):c.2129A>G (p.Glu710Gly)

Gene: CRB1 (crumbs cell polarity complex component 1; plus strand). Cytogenetic location: 1q31.3.
Variant type: single nucleotide variant.
Coding change: c.2129A>G on transcript NM_201253.3 (MANE Select); coding-DNA position 2129, A replaced by G.
Protein change: p.Glu710Gly; replaces glutamic acid 710 with glycine.
Molecular consequence: missense variant. On other transcripts: non-coding transcript variant (2), intron variant (1).
Genome position (GRCh38, 1-based): chr1:197,427,454, A>G. VCF-style: chr1-197427454-A-G. GRCh37 (hg19) VCF-style: chr1-197396584-A-G.
Other names: c.1793A>G, p.Glu598Gly (NM_001193640.2); c.1922A>G, p.Glu641Gly (NM_001257965.2); c.2128+5498A>G (NM_001257966.2); short protein forms E641G, E710G, E598G.
Identifiers: ClinVar variation 1405755 (VCV001405755.7), dbSNP rs145282040, ClinGen allele CA344036270.

ClinVar aggregate classification (germline): Conflicting classifications of pathogenicity. Review status: criteria provided, conflicting classifications (1 of 4 stars). 3 submissions from 3 submitters: Likely pathogenic (1); Uncertain significance (2). Last evaluated 2025-11-24.

Conditions:
CRB1-related disorder. Also called: CRB1-related condition; CRB1-related disorders.
Retinitis pigmentosa 12 (RP12). Also called: RP WITH OR WITHOUT PPRPE; RP WITH OR WITHOUT PRESERVED PARAARTERIOLE RETINAL PIGMENT EPITHELIUM; RETINITIS PIGMENTOSA WITH OR WITHOUT PARAARTERIOLAR PRESERVATION OF RETINAL PIGMENT EPITHELIUM. Identifiers: Orphanet 791, MedGen C1838647, MONDO:0010818, OMIM 600105.
Leber congenital amaurosis 8 (LCA8). Identifiers: Orphanet 65, MedGen C3151202, MONDO:0013453, OMIM 613835.

Allele frequency attached by ClinVar (database versions not stated): TOPMed 0.00002.
gnomAD v4.1: 2 of 1,613,022 alleles (0.00012%); highest among the groups gnomAD compares: African/African-American, 0.0013%; no homozygotes.

Submissions (3):

Women's Health and Genetics/Laboratory Corporation of America, LabCorp
Classification: Uncertain significance. Last evaluated: 2025-11-24. Review status: criteria provided, single submitter. Criteria: LabCorp Variant Classification Summary - May 2015. Collection method: clinical testing. Allele origin: germline.
Comment: Variant summary: CRB1 c.2129A>G (p.Glu710Gly) results in a non-conservative amino acid change in the encoded protein sequence. Algorithms developed to predict the effect of missense changes on protein structure and function all suggest that this variant is likely to be disruptive. The variant was absent in 250792 control chromosomes. The available data on variant occurrences in the general population are insufficient to allow any conclusion about variant significance. To our knowledge, no occurrence of c.2129A>G in individuals affected with CRB1-related conditions and no experimental evidence demonstrating its impact on protein function have been reported. ClinVar contains an entry for this variant (Variation ID: 1405755). Based on the evidence outlined above, the variant was classified as uncertain significance.

Labcorp Genetics (formerly Invitae), Labcorp
Classification: Uncertain significance for Leber congenital amaurosis 8; Retinitis pigmentosa 12. Last evaluated: 2024-10-26. Review status: criteria provided, single submitter. Criteria: Invitae Variant Classification Sherloc (09022015). Collection method: clinical testing. Allele origin: germline.
Comment: This sequence change replaces glutamic acid, which is acidic and polar, with glycine, which is neutral and non-polar, at codon 710 of the CRB1 protein (p.Glu710Gly). This variant is present in population databases (no rsID available, gnomAD 0.01%). This variant has not been reported in the literature in individuals affected with CRB1-related conditions. ClinVar contains an entry for this variant (Variation ID: 1405755). An algorithm developed to predict the effect of missense changes on protein structure and function (PolyPhen-2) suggests that this variant is likely to be tolerated. This variant disrupts the p.Glu710 amino acid residue in CRB1. Other variant(s) that disrupt this residue have been determined to be pathogenic (PMID: 20591486, 20956273, 28041643, 28559085). This suggests that this residue is clinically significant, and that variants that disrupt this residue are likely to be disease-causing. In summary, the available evidence is currently insufficient to determine the role of this variant in disease. Therefore, it has been classified as a Variant of Uncertain Significance.

Blueprint Genetics
Classification: Likely pathogenic for CRB1-related disorders. Last evaluated: 2022-11-07. Review status: criteria provided, single submitter. Criteria: ACMG Guidelines, 2015. Collection method: clinical testing. Allele origin: germline. Affected: yes. Observed: 2 variant alleles.

Literature cited by the submitters: PubMed 20591486 (cited by Labcorp Genetics (formerly Invitae), Labcorp); PubMed 20956273 (cited by Labcorp Genetics (formerly Invitae), Labcorp); PubMed 28041643 (cited by Labcorp Genetics (formerly Invitae), Labcorp); PubMed 28559085 (cited by Labcorp Genetics (formerly Invitae), Labcorp).